The following is an entry in ClinVar:

ClinVar aggregate classification (germline): Uncertain significance (1 of 4 stars; one submission).

Conditions:
Episodic ataxia type 2 (EA2). Also called: ATAXIA, EPISODIC, WITH NYSTAGMUS; ATAXIA, FAMILIAL PAROXYSMAL; ACETAZOLAMIDE-RESPONSIVE HEREDITARY PAROXYSMAL CEREBELLAR ATAXIA; CEREBELLAR ATAXIA, PAROXYSMAL, ACETAZOLAMIDE-RESPONSIVE; CEREBELLOPATHY, HEREDITARY PAROXYSMAL; EPISODIC ATAXIA, NYSTAGMUS-ASSOCIATED. Identifiers: Orphanet 97, MedGen C1720416, MONDO:0007163, OMIM 108500.
Developmental and epileptic encephalopathy, 42 (DEE42A). Also called: Epileptic encephalopathy, early infantile, 42; DEVELOPMENTAL AND EPILEPTIC ENCEPHALOPATHY 42A; EPILEPTIC ENCEPHALOPATHY, EARLY INFANTILE, 42A. Identifiers: MedGen C4310716, MONDO:0014917, OMIM 617106.

Submission:

Labcorp Genetics (formerly Invitae), Labcorp
Classification: Uncertain significance for Developmental and epileptic encephalopathy, 42; Episodic ataxia type 2. Last evaluated: 2024-02-07. Review status: criteria provided, single submitter. Criteria: Invitae Variant Classification Sherloc (09022015). Collection method: clinical testing. Allele origin: germline.
Comment: This sequence change replaces arginine, which is basic and polar, with proline, which is neutral and non-polar, at codon 803 of the CACNA1A protein (p.Arg803Pro). This variant is not present in population databases (gnomAD no frequency). This variant has not been reported in the literature in individuals affected with CACNA1A-related conditions. Advanced modeling of protein sequence and biophysical properties (such as structural, functional, and spatial information, amino acid conservation, physicochemical variation, residue mobility, and thermodynamic stability) performed at Invitae indicates that this missense variant is not expected to disrupt CACNA1A protein function with a negative predictive value of 95%. In summary, the available evidence is currently insufficient to determine the role of this variant in disease. Therefore, it has been classified as a Variant of Uncertain Significance.

NM_001127222.2(CACNA1A):c.2405G>C (p.Arg802Pro)

Gene: CACNA1A (calcium voltage-gated channel subunit alpha1 A; minus strand). Cytogenetic location: 19p13.13.
Variant type: single nucleotide variant.
Coding change: c.2405G>C on transcript NM_001127222.2 (MANE Select); coding-DNA position 2405, G replaced by C.
Protein change: p.Arg802Pro; replaces arginine 802 with proline.
Molecular consequence: missense variant.
Genome position (GRCh38, 1-based): chr19:13,299,228, C>G on the plus strand (G>C on the coding strand, the complement: CACNA1A is on the minus strand). VCF-style: chr19-13299228-C-G. GRCh37 (hg19) VCF-style: chr19-13410042-C-G.
Other names: c.2417G>C, p.Arg806Pro (NM_000068.4, NM_023035.3); c.2408G>C, p.Arg803Pro (NM_001127221.2, NM_001174080.2); short protein forms R802P, R803P, R806P.
Identifiers: ClinVar variation 3761632 (VCV003761632.2).